The following is an entry in ClinVar:

NM_033380.3(COL4A5):c.1625G>T (p.Gly542Val)

Gene: COL4A5 (collagen type IV alpha 5 chain; plus strand). Cytogenetic location: Xq22.3.
Variant type: single nucleotide variant.
Coding change: c.1625G>T on transcript NM_033380.3 (MANE Select); coding-DNA position 1625, G replaced by T.
Protein change: p.Gly542Val; replaces glycine 542 with valine.
Molecular consequence: missense variant.
Genome position (GRCh38, 1-based): chrX:108,597,414, G>T. VCF-style: chrX-108597414-G-T. GRCh37 (hg19) VCF-style: chrX-107840644-G-T.
Other names: NC_000023.10:g.107840644G>T; c.1625G>T, p.Gly542Val (NM_000495.5); short protein forms G542V.
Identifiers: ClinVar variation 1806082 (VCV001806082.2), dbSNP rs2524307924, ClinGen allele CA413845273.

ClinVar aggregate classification (germline): Likely pathogenic (1 of 4 stars; one submission).

Conditions:
X-linked Alport syndrome (ATS1). Also called: NEPHROPATHY AND DEAFNESS, X-LINKED; COL4A5-Related Nephropathy. Identifiers: Orphanet 63, Orphanet 88917, MedGen C4746986, MONDO:0010520, OMIM 301050.

Submissions (2):

Victorian Clinical Genetics Services, Murdoch Childrens Research Institute
Classification: Likely pathogenic for X-linked Alport syndrome. Last evaluated: 2020-10-19. Review status: criteria provided, single submitter. Criteria: ACMG Guidelines, 2015. Collection method: clinical testing. Allele origin: germline. Inheritance: X-linked dominant inheritance. Affected: yes.
Comment: Based on the classification scheme VCGS_Germline_v1.3.3, this variant is classified as Likely pathogenic. Following criteria are met: 0103 - Dominant negative, caused by missense variants mostly glycine substitutions that affect the conformation of the protein, and loss of function, caused by either protein truncating and missense variants, are known mechanisms of disease in this gene and are associated with Alport syndrome (PMIDs: 24046192, 12028435). (I) 0110 - This gene is associated with X-linked dominant disease. (I) 0200 - Variant is predicted to result in a missense amino acid change from glycine to valine. (I) 0254 - This variant is suspected mosaic. (I) 0301 - Variant is absent from gnomAD (both v2 and v3). (SP) 0501 - Missense variant is highly conserved with a major amino acid change. (SP) 0601 - Variant is located in the well-established functional collagen triple helix repeat region affecting the glycine of the G-X-Y repeats (NCBI, PDB). (SP) 0705 - No comparable missense variants have previous evidence for pathogenicity. (I) 0807 - This variant has no previous evidence of pathogenicity. (I) 0905 - No published segregation evidence has been identified for this variant. (I) 1007 - No published functional evidence has been identified for this variant. (I) 1208 - Inheritance information for this variant is not currently available in this individual. (I) Legend: (SP) - Supporting pathogenic, (I) - Information, (SB) - Supporting benign

Dr. Peter K. Rogan Lab, Western University
No classification provided (evidence only). Condition: Thyroid cancer, nonmedullary, 1. Review status: no classification provided. Collection method: in vitro. Allele origin: not applicable. Functional consequence: retained intron. Not counted in ClinVar's aggregate classification.

Literature cited by the submitters: PubMed 12028435 (cited by Victorian Clinical Genetics Services, Murdoch Childrens Research Institute); PubMed 24046192 (cited by Victorian Clinical Genetics Services, Murdoch Childrens Research Institute).